The following is an entry in ClinVar:

NM_003742.4(ABCB11):c.2012-51T>C

Gene: ABCB11 (ATP binding cassette subfamily B member 11; minus strand). Cytogenetic location: 2q31.1.
Variant type: single nucleotide variant.
Coding change: c.2012-51T>C on transcript NM_003742.4 (MANE Select); 51 bases into the intron before coding-DNA position 2012, T replaced by C.
Molecular consequence: intron variant.
Genome position (GRCh38, 1-based): chr2:168,968,541, A>G on the plus strand (T>C on the coding strand, the complement: ABCB11 is on the minus strand). VCF-style: chr2-168968541-A-G. GRCh37 (hg19) VCF-style: chr2-169825051-A-G.
Identifiers: ClinVar variation 4846697 (VCV004846697.1).
Genomic context (GRCh38, chr2:168,968,541, plus strand): 5'-TCAGTTGCATCTACTCAACACAGCATGAGCAATTTTTTAGTATATACAATAAACAGAACC[A>G]TATCCAAGTAGAATTCTTTACTATGTTTGCTTAGAATATAATTACTATGTCAAATGCCAA-3'

ClinVar aggregate classification (germline): Likely benign (1 of 4 stars; one submission).

Conditions:
Familial intrahepatic cholestasis. Identifiers: Orphanet 284385, MedGen CN296401, MONDO:0017290.

gnomAD v4.1: 616 of 1,417,262 alleles (0.043%); highest among the groups gnomAD compares: South Asian, 0.45%; 3 homozygotes.

Submission:

Genomenon, Inc
Classification: Likely benign for Familial intrahepatic cholestasis. Last evaluated: 2026-04-14. Review status: criteria provided, single submitter. Criteria: Genomenon Sequence Variant Interpretation Standards - Updated. Collection method: curation. Allele origin: germline. Affected: yes.
Comment: ABCB11 c.2012-51T>C is an intronic variant located in intron 16. This variant has been observed in at least one proband with an ABCB11-related disorder (PMID:39143102). This intronic variant is not predicted to impact splicing. In conclusion, we classify ABCB11 c.2012-51T>C as a likely benign variant.

Literature cited by the submitters: PubMed 39143102.